The following is an entry in ClinVar:

NM_007294.4(BRCA1):c.5456A>T (p.Asn1819Ile)

Gene: BRCA1 (BRCA1 DNA repair associated; minus strand). Cytogenetic location: 17q21.31.
Variant type: single nucleotide variant.
Coding change: c.5456A>T on transcript NM_007294.4 (MANE Select); coding-DNA position 5456, A replaced by T.
Protein change: p.Asn1819Ile; replaces asparagine 1819 with isoleucine.
Molecular consequence: missense variant. On other transcripts: non-coding transcript variant (1).
Genome position (GRCh38, 1-based): chr17:43,047,654, T>A on the plus strand (A>T on the coding strand, the complement: BRCA1 is on the minus strand). VCF-style: chr17-43047654-T-A. GRCh37 (hg19) VCF-style: chr17-41199671-T-A.
Other names: c.5243A>T, p.Asn1748Ile (NM_001407571.1, NM_001407907.1, NM_001407908.1 and 12 more transcripts); c.5522A>T, p.Asn1841Ile (NM_001407581.1, NM_001407582.1); c.5519A>T, p.Asn1840Ile (NM_001407583.1, NM_001407585.1, NM_001407587.1 and 1 more transcripts); c.5516A>T, p.Asn1839Ile (NM_001407590.1, NM_001407591.1); c.5456A>T, p.Asn1819Ile (NM_001407593.1, NM_001407594.1, NM_001407596.1 and 5 more transcripts); c.5453A>T, p.Asn1818Ile (NM_001407614.1, NM_001407615.1, NM_001407616.1 and 14 more transcripts); c.5450A>T, p.Asn1817Ile (NM_001407633.1, NM_001407634.1, NM_001407635.1 and 13 more transcripts); c.5378A>T, p.Asn1793Ile (NM_001407655.1, NM_001407652.1, NM_001407653.1 and 1 more transcripts); and 83 more; short protein forms N1772I, N1819I, N715I, N1840I, Q690H, N1522I, N1692I, N1729I.
Identifiers: ClinVar variation 868910 (VCV000868910.3), dbSNP rs80357286, ClinGen allele CA10590466.

Conditions:
Breast-ovarian cancer, familial, susceptibility to, 1 (BROVCA1). Also called: BRCA1 Hereditary Breast and Ovarian Cancer; OVARIAN CANCER, SUSCEPTIBILITY TO. Identifiers: Orphanet 145, MedGen C2676676, MONDO:0011450, OMIM 604370. Disease mechanism: loss of function.

Submission:

Brotman Baty Institute, University of Washington
No classification provided (evidence only). Condition: Breast-ovarian cancer, familial 1. Review status: no classification provided. Collection method: in vitro. Allele origin: not applicable. Functional consequence: functionally_normal.
ClinVar note: "not provided" was previously submitted as the classification for the variant. However, the classification appeared to be based only on an observation of functional data so it was converted to no classification on 2025-07-30.